The following is an entry in ClinVar:

NM_000074.3(CD40LG):c.541C>T (p.Arg181Trp)

Gene: CD40LG (CD40 ligand; plus strand). Cytogenetic location: Xq26.3.
Variant type: single nucleotide variant.
Coding change: c.541C>T on transcript NM_000074.3 (MANE Select); coding-DNA position 541, C replaced by T.
Protein change: p.Arg181Trp; replaces arginine 181 with tryptophan.
Molecular consequence: missense variant.
Genome position (GRCh38, 1-based): chrX:136,659,170, C>T. VCF-style: chrX-136659170-C-T. GRCh37 (hg19) VCF-style: chrX-135741329-C-T.
Other names: short protein forms R181W.
Identifiers: ClinVar variation 2228477 (VCV002228477.2), dbSNP rs200840715, ClinGen allele CA10528154.

ClinVar aggregate classification (germline): Uncertain significance (1 of 4 stars; one submission).

Conditions:
Inborn genetic diseases. Identifiers: MedGen C0950123, MeSH D030342.

Allele frequency attached by ClinVar (database versions not stated): ExAC 0.00001.
gnomAD v4.1: 3 of 1,211,324 alleles (0.00025%); highest among the groups gnomAD compares: South Asian, 0.0035%; no homozygotes.

Submission:

Ambry Genetics
Classification: Uncertain significance for Inborn genetic diseases. Last evaluated: 2021-01-04. Review status: criteria provided, single submitter. Criteria: Ambry Variant Classification Scheme 2023. Collection method: clinical testing. Allele origin: germline.
Comment: The c.541C>T (p.R181W) alteration is located in coding exon 5 of the CD40LG gene. This alteration results from a C to T substitution at nucleotide position 541, causing the arginine (R) at amino acid position 181 to be replaced by a tryptophan (W). Based on data from the Genome Aggregation Database (gnomAD) database, the CD40LG c.541C>T alteration was observed in 0.002% (2/183182) of total alleles studied. The p.R181 amino acid is not conserved in available vertebrate species. The p.R181W alteration is predicted to be tolerated by in silico analysis. Based on insufficient or conflicting evidence, the clinical significance of this alteration remains unclear.